The following is an entry in ClinVar:

ClinVar aggregate classification (germline): Uncertain significance. Review status: criteria provided, multiple submitters, no conflicts (2 of 4 stars). 2 submissions from 2 submitters: Uncertain significance (2). Last evaluated 2025-08-05.

Conditions:
Hereditary pheochromocytoma and paraganglioma. Also called: Hereditary paragangliomas and pheochromocytomas; Hereditary Paraganglioma-Pheochromocytoma Syndromes; Hereditary pheochromocytoma-paraganglioma. Identifiers: Orphanet 29072, MedGen C4274332, MONDO:0017366.
Hereditary cancer-predisposing syndrome. Also called: Tumor predisposition; Hereditary Cancer Syndrome; Hereditary neoplastic syndrome; Neoplastic Syndromes, Hereditary. Identifiers: Orphanet 140162, MedGen C0027672, MeSH D009386, MONDO:0015356.

Submissions (2):

Labcorp Genetics (formerly Invitae), Labcorp
Classification: Uncertain significance for Hereditary pheochromocytoma and paraganglioma. Last evaluated: 2025-08-05. Review status: criteria provided, single submitter. Criteria: Invitae Variant Classification Sherloc (09022015). Collection method: clinical testing. Allele origin: germline.
Comment: This sequence change replaces leucine, which is neutral and non-polar, with phenylalanine, which is neutral and non-polar, at codon 195 of the TMEM127 protein (p.Leu195Phe). This variant is not present in population databases (gnomAD no frequency). This variant has not been reported in the literature in individuals affected with TMEM127-related conditions. ClinVar contains an entry for this variant (Variation ID: 1509357). An algorithm developed to predict the effect of missense changes on protein structure and function (PolyPhen-2) suggests that this variant is likely to be disruptive. In summary, the available evidence is currently insufficient to determine the role of this variant in disease. Therefore, it has been classified as a Variant of Uncertain Significance.

Ambry Genetics
Classification: Uncertain significance for Hereditary cancer-predisposing syndrome. Last evaluated: 2024-10-06. Review status: criteria provided, single submitter. Criteria: Ambry Variant Classification Scheme 2023. Collection method: clinical testing. Allele origin: germline.
Comment: The p.L195F variant (also known as c.583C>T), located in coding exon 3 of the TMEM127 gene, results from a C to T substitution at nucleotide position 583. The leucine at codon 195 is replaced by phenylalanine, an amino acid with highly similar properties. This amino acid position is conserved. In addition, this alteration is predicted to be deleterious by in silico analysis. Based on the available evidence, the clinical significance of this variant remains unclear.

NM_017849.4(TMEM127):c.583C>T (p.Leu195Phe)

Gene: TMEM127 (transmembrane protein 127; minus strand). Cytogenetic location: 2q11.2.
Variant type: single nucleotide variant.
Coding change: c.583C>T on transcript NM_017849.4 (MANE Select); coding-DNA position 583, C replaced by T.
Protein change: p.Leu195Phe; replaces leucine 195 with phenylalanine.
Molecular consequence: missense variant.
Genome position (GRCh38, 1-based): chr2:96,253,942, G>A on the plus strand (C>T on the coding strand, the complement: TMEM127 is on the minus strand). VCF-style: chr2-96253942-G-A. GRCh37 (hg19) VCF-style: chr2-96919680-G-A.
Other names: c.583C>T (NM_017849.3); c.583C>T, p.Leu195Phe (NM_001193304.3); short protein forms L195F.
Identifiers: ClinVar variation 1509357 (VCV001509357.7), dbSNP rs2104283802, ClinGen allele CA347652193.